The following is an entry in ClinVar:

ClinVar aggregate classification (germline): Uncertain significance (1 of 4 stars; one submission).

Allele frequency attached by ClinVar (database versions not stated): gnomAD 0.00001; TOPMed 0.00001.
gnomAD v4.1: 1 of 1,609,322 alleles (0.000062%); highest among the groups gnomAD compares: East Asian, 0.0022%; no homozygotes.

Submission:

Labcorp Genetics (formerly Invitae), Labcorp
Classification: Uncertain significance. Last evaluated: 2022-08-05. Review status: criteria provided, single submitter. Criteria: Invitae Variant Classification Sherloc (09022015). Collection method: clinical testing. Allele origin: germline.
Comment: This variant has not been reported in the literature in individuals affected with TAOK2-related conditions. Algorithms developed to predict the effect of missense changes on protein structure and function (SIFT, PolyPhen-2, Align-GVGD) all suggest that this variant is likely to be tolerated. In summary, the available evidence is currently insufficient to determine the role of this variant in disease. Therefore, it has been classified as a Variant of Uncertain Significance. This sequence change replaces glutamic acid, which is acidic and polar, with lysine, which is basic and polar, at codon 395 of the TAOK2 protein (p.Glu395Lys). This variant is present in population databases (no rsID available, gnomAD 0.005%).

NM_016151.4(TAOK2):c.1183G>A (p.Glu395Lys)

Gene: TAOK2 (TAO kinase 2; plus strand). Cytogenetic location: 16p11.2.
Variant type: single nucleotide variant.
Coding change: c.1183G>A on transcript NM_016151.4 (MANE Select); coding-DNA position 1183, G replaced by A.
Protein change: p.Glu395Lys; replaces glutamic acid 395 with lysine.
Molecular consequence: missense variant.
Genome position (GRCh38, 1-based): chr16:29,983,255, G>A. VCF-style: chr16-29983255-G-A. GRCh37 (hg19) VCF-style: chr16-29994576-G-A.
Other names: c.1183G>A, p.Glu395Lys (NM_001252043.2, NM_004783.4); short protein forms E395K.
Identifiers: ClinVar variation 1715172 (VCV001715172.5), dbSNP rs1432632673, ClinGen allele CA395480691.